The following is an entry in ClinVar:

NM_003107.3(SOX4):c.177C>G (p.Ile59Met)

Gene: SOX4 (SRY-box transcription factor 4; plus strand). Cytogenetic location: 6p22.3.
Variant type: single nucleotide variant.
Coding change: c.177C>G on transcript NM_003107.3 (MANE Select); coding-DNA position 177, C replaced by G.
Protein change: p.Ile59Met; replaces isoleucine 59 with methionine.
Molecular consequence: missense variant.
Genome position (GRCh38, 1-based): chr6:21,594,711, C>G. VCF-style: chr6-21594711-C-G. GRCh37 (hg19) VCF-style: chr6-21594942-C-G.
Other names: short protein forms I59M.
Identifiers: ClinVar variation 4081973 (VCV004081973.2).

ClinVar aggregate classification (germline): Likely pathogenic (1 of 4 stars; one submission).

Conditions:
Coffin-Siris syndrome 10. Also called: INTELLECTUAL DEVELOPMENTAL DISORDER WITH SPEECH DELAY AND DYSMORPHIC FACIES. Identifiers: MedGen C4760583, MONDO:0032791, OMIM 618506.

Submission:

Clinical Genetics Laboratory, University Hospital Schleswig-Holstein
Classification: Likely pathogenic for Coffin-Siris syndrome 10. Last evaluated: 2025-03-04. Review status: criteria provided, single submitter. Criteria: ACMG Guidelines, 2015. Collection method: clinical testing. Allele origin: de novo. Affected: yes. Observed: 1 heterozygote.
Comment: ACMG criteria applied: PM2, PM5_Supporting, PP2, PP3, PS2